The following is an entry in ClinVar:

NM_001035.3(RYR2):c.3151C>T (p.Arg1051Cys)

Gene: RYR2 (ryanodine receptor 2; plus strand). Cytogenetic location: 1q43.
Variant type: single nucleotide variant.
Coding change: c.3151C>T on transcript NM_001035.3 (MANE Select); coding-DNA position 3151, C replaced by T.
Protein change: p.Arg1051Cys; replaces arginine 1051 with cysteine.
Molecular consequence: missense variant.
Genome position (GRCh38, 1-based): chr1:237,550,628, C>T. VCF-style: chr1-237550628-C-T. GRCh37 (hg19) VCF-style: chr1-237713928-C-T.
Other names: p.R1051C:CGC>TGC; short protein forms R1051C.
Identifiers: ClinVar variation 201235 (VCV000201235.34), dbSNP rs533330664, ClinGen allele CA009097.

ClinVar aggregate classification (germline): Conflicting classifications of pathogenicity. Review status: criteria provided, conflicting classifications (1 of 4 stars). 12 submissions from 12 submitters: Uncertain significance (5); Likely benign (5). 2 of the submissions do not count toward it. Last evaluated 2026-06-30.

Conditions:
Ventricular arrhythmias due to cardiac ryanodine receptor calcium release deficiency syndrome. Also called: Autosomal dominant cardiac arrhythmia (Kuhn). Identifiers: MedGen C5542154, MONDO:0020745, OMIM 115000.
Catecholaminergic polymorphic ventricular tachycardia 1. Also called: RYR2-Related Catecholaminergic Polymorphic Ventricular Tachycardia; VENTRICULAR TACHYCARDIA, STRESS-INDUCED POLYMORPHIC 1; VENTRICULAR TACHYCARDIA, CATECHOLAMINERGIC POLYMORPHIC, 1, WITH OR WITHOUT ATRIAL DYSFUNCTION AND/OR DILATED CARDIOMYOPATHY. Identifiers: Orphanet 3286, MedGen C1631597, MONDO:0011484, OMIM 604772.
Arrhythmogenic right ventricular dysplasia 2. Identifiers: MedGen C1832931.
Cardiovascular phenotype. Identifiers: MedGen CN230736.
Catecholaminergic polymorphic ventricular tachycardia (CVPT). Also called: Catecholamine-induced polymorphic ventricular tachycardia. Identifiers: Orphanet 3286, MedGen C5574922, MONDO:0017990.
Cardiomyopathy (CMYO). Also called: Cardiomyopathies. Identifiers: Orphanet 167848, MedGen C0878544, MONDO:0004994, HP:0001638. Inheritance: Various modes of inheritance.

Allele frequency attached by ClinVar (database versions not stated): gnomAD 0.00001 and 0.00003; TOPMed 0.00001; gnomAD exomes 0.00007 and 0.00009; ExAC 0.00017.
gnomAD v4.1: 102 of 1,590,734 alleles (0.0064%); highest among the groups gnomAD compares: South Asian, 0.068%; 2 homozygotes.

Submissions (12):

GeneDx
Classification: Uncertain significance. Last evaluated: 2026-06-30. Review status: criteria provided, single submitter. Criteria: GeneDx Variant Classification Process June 2021. Collection method: clinical testing. Allele origin: germline.
Comment: In silico analysis supports that this missense variant has a deleterious effect on protein structure/function; Not located in one of the three hot-spot regions of the RYR2 gene, where the majority of pathogenic missense variants occur (PMID: 19926015); Identified independently and in association with other cardiac variants in patients with cardiomyopathy or arrhythmia (PMID: 23396983, 25925909, 28404607); This variant is associated with the following publications: (PMID: 25925909, 28404607, 38551768, 19926015, 29368431, 35932045, 23396983, 30847666)

Labcorp Genetics (formerly Invitae), Labcorp
Classification: Likely benign for Catecholaminergic polymorphic ventricular tachycardia 1. Last evaluated: 2026-01-18. Review status: criteria provided, single submitter. Criteria: Invitae Variant Classification Sherloc (09022015). Collection method: clinical testing. Allele origin: germline.

Women's Health and Genetics/Laboratory Corporation of America, LabCorp
Classification: Likely benign. Last evaluated: 2025-12-02. Review status: criteria provided, single submitter. Criteria: LabCorp Variant Classification Summary - May 2015. Collection method: clinical testing. Allele origin: germline.
Comment: Variant summary: RYR2 c.3151C>T (p.Arg1051Cys) results in a non-conservative amino acid change located in the Ryanodine receptor Ryr domain & B30.2/SPRY domain of the encoded protein sequence. Algorithms developed to predict the effect of missense changes on protein structure and function all suggest that this variant is likely to be disruptive. The variant allele was found at a frequency of 9.1e-05 in 208890 control chromosomes, predominantly at a frequency of 0.00061 within the South Asian subpopulation in the gnomAD database. The observed variant frequency within South Asian control individuals in the gnomAD database exceeds the estimated maximal expected allele frequency for disease-causing variants in RYR2. c.3151C>T has been observed in individuals affected with cardiac defects (e.g., Hauser_2018, Landstrom_2017, Lopes_2013). These reports do not provide unequivocal conclusions about association of the variant with Cardiomyopathy. To our knowledge, no experimental evidence demonstrating an impact on protein function has been reported. The following publications have been ascertained in the context of this evaluation (PMID: 23396983, 28404607, 29368431). ClinVar contains an entry for this variant (Variation ID: 201235). Based on the evidence outlined above, the variant was classified as likely benign.

Molecular Diagnostic Laboratory for Inherited Cardiovascular Disease, Montreal Heart Institute
Classification: Uncertain significance for Cardiovascular phenotype. Last evaluated: 2025-04-09. Review status: criteria provided, single submitter. Criteria: ACMG Guidelines, 2015. Collection method: clinical testing. Allele origin: germline. Affected: yes.

Blueprint Genetics
Classification: Likely benign. Last evaluated: 2024-09-20. Review status: criteria provided, single submitter. Criteria: ACMG Guidelines, 2015. Collection method: clinical testing. Allele origin: germline.

Color Diagnostics, LLC DBA Color Health
Classification: Likely benign for Cardiomyopathy. Last evaluated: 2023-11-20. Review status: criteria provided, single submitter. Criteria: ACMG Guidelines, 2015. Collection method: clinical testing. Allele origin: germline.

All of Us Research Program, National Institutes of Health
Classification: Uncertain significance for Catecholaminergic polymorphic ventricular tachycardia. Last evaluated: 2023-05-04. Review status: criteria provided, single submitter. Criteria: ACMG Guidelines, 2015. Collection method: clinical testing. Allele origin: germline. Inheritance: Autosomal dominant inheritance. Observed: 3 variant alleles, 3 heterozygotes.
Comment: This variant is located in the RYR2 protein. Computational prediction is inconclusive regarding the impact of this variant on protein structure and function (internally defined REVEL score threshold 0.5 < inconclusive < 0.7, PMID: 27666373). To our knowledge, functional studies have not been reported for this variant. This variant has not been reported in individuals affected with cardiovascular disorders in the literature. This variant has been identified in 19/208890 chromosomes in the general population by the Genome Aggregation Database (gnomAD). The available evidence is insufficient to determine the role of this variant in disease conclusively. Therefore, this variant is classified as a Variant of Uncertain Significance.

This study involves interpretation of variants in research participants for the purpose of population health screening. Participant phenotype was not available at the time of variant classification. Additional details can be found in publication PMID: 35346344, PMCID: PMC8962531

Diagnostics Services (NGS), CSIR - Centre For Cellular And Molecular Biology
Classification: Uncertain significance for Catecholaminergic polymorphic ventricular tachycardia 1; Ventricular arrhythmias due to cardiac ryanodine receptor calcium release deficiency syndrome. Last evaluated: 2022-04-25. Review status: criteria provided, single submitter. Criteria: ACMG Guidelines, 2015. Collection method: clinical testing. Allele origin: unknown. Inheritance: Autosomal dominant inheritance. Affected: yes. Observed: 1 variant allele, 1 heterozygote.
Comment: The c.3151C>T variant is not present in publicly available population databases like 1000 Genomes, Exome Variant Server (EVS) and Indian Exome Database. The heterozygous state of the variant is present in Exome Aggregation Consortium (ExAC) and Genome Aggregation Database (gnomAD), at a low frequency. The variant is not present in our in-house exome database. The variant was previously reported in the literatures in similarly affected individuals (PMID: 23396983, 28404607, 29368431). The variant was reported to Clinvar (Accession: VCV000201235.11) with conflicting interpretations of pathogenicity (Uncertain significance/likely benign). In-silico pathogenicity prediction programs like PolyPhen-2, MutationTaster2, CADD etc. predicted this variant to be likely deleterious, however these predictions were not confirmed by any published functional studies. Alternative variants in the same amino acid position (Arg1051His, Arg1051Pro) were previously reported in the literatures in similarly affected individuals (PMID: 27532257, 19216760) and reported to Human Genome Mutation database (HGMD IDs: CM1616928, CM090703)

Ambry Genetics
Classification: Likely benign for Cardiovascular phenotype. Last evaluated: 2021-10-28. Review status: criteria provided, single submitter. Criteria: Ambry Variant Classification Scheme 2023. Collection method: clinical testing. Allele origin: germline.

Laboratory for Molecular Medicine, Mass General Brigham Personalized Medicine
Classification: Uncertain significance. Last evaluated: 2016-12-16. Review status: criteria provided, single submitter. Criteria: LMM Criteria. Collection method: clinical testing. Allele origin: germline.
Comment: Variant identified in a genome or exome case(s) and assessed due to predicted null impact of the variant or pathogenic assertions in the literature or databases. Disclaimer: This variant has not undergone full assessment. The following are preliminary notes: This variant has not been reported in affected individuals. It is classified in ClinVar with 1 star as Likely pathogenic by GeneDx. It has a Max MAF of 0.07% in ExAC (7 alleles) and 0.06% in gnomAD (16 alleles). The AA at this position is conserved. In HGMD there is another variant at this position: Arg1051Pro. In GI there are 2 other variants at this position: Arg1051Arg (likely benign) and Arg1051His (VUS4).

Clinical Genetics, Academic Medical Center
Classification: Uncertain significance. Review status: no assertion criteria provided. Collection method: clinical testing. Allele origin: germline. Affected: yes. Study: VKGL Data-share Consensus. Not counted in ClinVar's aggregate classification.

Diagnostic Laboratory, Department of Genetics, University Medical Center Groningen
Classification: Uncertain significance. Review status: no assertion criteria provided. Collection method: clinical testing. Allele origin: germline. Affected: yes. Study: VKGL Data-share Consensus. Not counted in ClinVar's aggregate classification.

Literature cited by the submitters: PubMed 23396983 (cited by 3 submitters); PubMed 28404607 (cited by 3 submitters); PubMed 29368431 (cited by 3 submitters); PubMed 27532257 (cited by Diagnostics Services (NGS), CSIR - Centre For Cellular And Molecular Biology); PubMed 19216760 (cited by Diagnostics Services (NGS), CSIR - Centre For Cellular And Molecular Biology); PubMed 25925909 (cited by Ambry Genetics); PubMed 27153395 (cited by Ambry Genetics); PubMed 30847666 (cited by Ambry Genetics).